The following is an entry in ClinVar:

NM_001042424.3(NSD2):c.908C>T (p.Thr303Met)

Gene: NSD2 (nuclear receptor binding SET domain protein 2; plus strand). Cytogenetic location: 4p16.3.
Variant type: single nucleotide variant.
Coding change: c.908C>T on transcript NM_001042424.3 (MANE Select); coding-DNA position 908, C replaced by T.
Protein change: p.Thr303Met; replaces threonine 303 with methionine.
Molecular consequence: missense variant.
Genome position (GRCh38, 1-based): chr4:1,917,018, C>T. VCF-style: chr4-1917018-C-T. GRCh37 (hg19) VCF-style: chr4-1918745-C-T.
Other names: c.908C>T, p.Thr303Met (NM_007331.2, NM_133330.3, NM_133331.3 and 2 more transcripts); c.908C>T (NM_133330.2); short protein forms T303M.
Identifiers: ClinVar variation 1986195 (VCV001986195.5), dbSNP rs2474331454, ClinGen allele CA356002278.

ClinVar aggregate classification (germline): Uncertain significance. Review status: criteria provided, multiple submitters, no conflicts (2 of 4 stars). 2 submissions from 2 submitters: Uncertain significance (2). Last evaluated 2025-07-15.

Conditions:
Inborn genetic diseases. Identifiers: MedGen C0950123, MeSH D030342.

Allele frequency attached by ClinVar (database versions not stated): gnomAD exomes below 0.00001; gnomAD 0.00001.
gnomAD v4.1: 3 of 1,612,524 alleles (0.00019%); highest among the groups gnomAD compares: East Asian, 0.0022%; no homozygotes.

Submissions (2):

Ambry Genetics
Classification: Uncertain significance for Inborn genetic diseases. Last evaluated: 2025-07-15. Review status: criteria provided, single submitter. Criteria: Ambry Variant Classification Scheme 2023. Collection method: clinical testing. Allele origin: germline.

Labcorp Genetics (formerly Invitae), Labcorp
Classification: Uncertain significance. Last evaluated: 2022-05-27. Review status: criteria provided, single submitter. Criteria: Invitae Variant Classification Sherloc (09022015). Collection method: clinical testing. Allele origin: germline.
Comment: This sequence change replaces threonine, which is neutral and polar, with methionine, which is neutral and non-polar, at codon 303 of the WHSC1 protein (p.Thr303Met). This variant is not present in population databases (gnomAD no frequency). This variant has not been reported in the literature in individuals affected with WHSC1-related conditions. Algorithms developed to predict the effect of missense changes on protein structure and function (SIFT, PolyPhen-2, Align-GVGD) all suggest that this variant is likely to be disruptive. In summary, the available evidence is currently insufficient to determine the role of this variant in disease. Therefore, it has been classified as a Variant of Uncertain Significance.